The following is an entry in ClinVar:

NM_000485.3(APRT):c.541T>C (p.Ter181Arg)

Gene: APRT (adenine phosphoribosyltransferase; minus strand). Cytogenetic location: 16q24.3.
Variant type: single nucleotide variant.
Coding change: c.541T>C on transcript NM_000485.3 (MANE Select); coding-DNA position 541, T replaced by C.
Protein change: p.Ter181Arg.
Molecular consequence: stop lost. On other transcripts: 3 prime UTR variant (1).
Genome position (GRCh38, 1-based): chr16:88,809,700, A>G on the plus strand (T>C on the coding strand, the complement: APRT is on the minus strand). VCF-style: chr16-88809700-A-G. GRCh37 (hg19) VCF-style: chr16-88876108-A-G.
Other names: c.*2T>C (NM_001030018.2).
Identifiers: ClinVar variation 988025 (VCV000988025.2), dbSNP rs758634272, ClinGen allele CA8234339.
Genomic context (GRCh38, chr16:88,809,700, plus strand): 5'-CCAAGGCTGATATTTCCCTGGGATCCAGCTGGAGATGTTGGGCTGGGAGGCCCTGTGGTC[A>G]CTCATACTGCAGGAGAGAGAAGAAGGGTACAGGTGCCAGCTTCTCCCTGCCCTTAAGCGA-3'

ClinVar aggregate classification (germline): Likely pathogenic. Review status: criteria provided, single submitter (1 of 4 stars). 2 submissions from 2 submitters: Likely pathogenic (1). 1 of the submissions does not count toward it. Last evaluated 2025-05-01.

Conditions:
Adenine phosphoribosyltransferase deficiency (APRTD). Also called: APRT DEFICIENCY; NEPHROLITHIASIS, DHA; Urolithiasis, dha; 2,8-dihydroxyadenine urolithiasis. Identifiers: Orphanet 976, MedGen C0268120, MONDO:0013869, OMIM 614723.

Allele frequency attached by ClinVar (database versions not stated): gnomAD exomes below 0.00001; ExAC 0.00001; TOPMed 0.00001.

Submissions (2):

Rare Kidney Stone Consortium and the Mayo Clinic Hyperoxaluria Center, Mayo Clinic
Classification: Likely pathogenic for Adenine phosphoribosyltransferase deficiency. Last evaluated: 2025-05-01. Review status: criteria provided, single submitter. Criteria: ACMG Guidelines, 2015. Collection method: research. Allele origin: germline.
Comment: ACMG: PS1, PM2, PM4

heterozygote

APRT Deficiency Research Program of the Rare Kidney Stone Consortium, Landspitali, National University Hospital of Iceland
Classification: Pathogenic for Adenine phosphoribosyltransferase deficiency. Last evaluated: 2020-09-01. Review status: no assertion criteria provided. Collection method: literature only. Allele origin: germline. Affected: yes. Not counted in ClinVar's aggregate classification.

Literature cited by the submitters: PubMed 33707627 (cited by Rare Kidney Stone Consortium and the Mayo Clinic Hyperoxaluria Center, Mayo Clinic); PubMed 34805638 (cited by Rare Kidney Stone Consortium and the Mayo Clinic Hyperoxaluria Center, Mayo Clinic); PubMed 20150536 (cited by Rare Kidney Stone Consortium and the Mayo Clinic Hyperoxaluria Center, Mayo Clinic and APRT Deficiency Research Program of the Rare Kidney Stone Consortium, Landspitali, National University Hospital of Iceland).